The following is an entry in ClinVar:

NM_147127.5(EVC2):c.2046+5A>G

Gene: EVC2 (EvC ciliary complex subunit 2; minus strand). Cytogenetic location: 4p16.2.
Variant type: single nucleotide variant.
Coding change: c.2046+5A>G on transcript NM_147127.5 (MANE Select); 5 bases into the intron after coding-DNA position 2046, A replaced by G.
Molecular consequence: intron variant.
Genome position (GRCh38, 1-based): chr4:5,625,744, T>C on the plus strand (A>G on the coding strand, the complement: EVC2 is on the minus strand). VCF-style: chr4-5625744-T-C. GRCh37 (hg19) VCF-style: chr4-5627471-T-C.
Other names: c.1806+5A>G (NM_001166136.2).
Identifiers: ClinVar variation 262608 (VCV000262608.19), dbSNP rs6850875, ClinGen allele CA2834854.

ClinVar aggregate classification (germline): Benign. Review status: criteria provided, multiple submitters, no conflicts (2 of 4 stars). 6 submissions from 6 submitters: Benign (6). Last evaluated 2026-05-11.

Conditions:
Ellis-van Creveld syndrome (EVC). Also called: Chondroectodermal dysplasia; MESOECTODERMAL DYSPLASIA. Identifiers: Orphanet 289, MedGen C0013903, MONDO:0009162, OMIM 225500.
Curry-Hall syndrome (WAD). Also called: WEYERS ACRODENTAL DYSOSTOSIS. Identifiers: Orphanet 952, MedGen C0457013, MONDO:0008673, OMIM 193530.

Allele frequency attached by ClinVar (database versions not stated): gnomAD 0.06424 and 0.06860; TOPMed 0.07181; 1000 Genomes Project 0.07348; ESP Exome Variant Server 0.07389; gnomAD exomes 0.00657 and 0.01737; ExAC 0.02103; 1000 Genomes Project 30x 0.07901.
gnomAD v4.1: 19,819 of 1,614,128 alleles (1.2%); highest among the groups gnomAD compares: African/African-American, 22%; 1,875 homozygotes.

Submissions (12):

Women's Health and Genetics/Laboratory Corporation of America, LabCorp
Classification: Benign. Last evaluated: 2026-05-11. Review status: criteria provided, single submitter. Criteria: LabCorp Variant Classification Summary - May 2015. Collection method: clinical testing. Allele origin: germline.

Labcorp Genetics (formerly Invitae), Labcorp
Classification: Benign for Curry-Hall syndrome; Ellis-van Creveld syndrome. Last evaluated: 2026-02-04. Review status: criteria provided, single submitter. Criteria: Invitae Variant Classification Sherloc (09022015). Collection method: clinical testing. Allele origin: germline.

Illumina Laboratory Services, Illumina
Classification: Benign for Ellis-van Creveld syndrome. Last evaluated: 2018-01-13. Review status: criteria provided, single submitter. Criteria: ICSL Variant Classification Criteria 13 December 2019. Collection method: clinical testing. Allele origin: germline.
Comment: This variant was observed in the ICSL laboratory as part of a predisposition screen in an ostensibly healthy population. It had not been previously curated by ICSL or reported in the Human Gene Mutation Database (HGMD: prior to June 1st, 2018), and was therefore a candidate for classification through an automated scoring system. Utilizing variant allele frequency, disease prevalence and penetrance estimates, and inheritance mode, an automated score was calculated to assess if this variant is too frequent to cause the disease. Based on the score and internal cut-off values, a variant classified as benign is not then subjected to further curation. The score for this variant resulted in a classification of benign for this disease.

GeneDx
Classification: Benign. Last evaluated: 2016-06-09. Review status: criteria provided, single submitter. Criteria: GeneDx Variant Classification (06012015). Collection method: clinical testing. Allele origin: germline. Affected: yes.
Comment: This variant is considered likely benign or benign based on one or more of the following criteria: it is a conservative change, it occurs at a poorly conserved position in the protein, it is predicted to be benign by multiple in silico algorithms, and/or has population frequency not consistent with disease.

Breakthrough Genomics
Classification: Benign. Review status: criteria provided, single submitter. Criteria: ACMG Guidelines, 2015. Collection method: not provided. Allele origin: germline. Inheritance: Autosomal recessive inheritance. Affected: yes.

PreventionGenetics, part of Exact Sciences
Classification: Benign. Review status: criteria provided, single submitter. Criteria: ACMG Guidelines, 2015. Collection method: clinical testing. Allele origin: germline.

Dr. Peter K. Rogan Lab, Western University
No classification provided (evidence only). Condition: Clear cell carcinoma of kidney. Review status: no classification provided. Collection method: in vitro. Allele origin: not applicable. Functional consequence: retained intron. Not counted in ClinVar's aggregate classification.

Dr. Peter K. Rogan Lab, Western University
No classification provided (evidence only). Condition: Clear cell carcinoma of kidney. Review status: no classification provided. Collection method: in vitro. Allele origin: not applicable. Functional consequence: retained intron. Not counted in ClinVar's aggregate classification.

Dr. Peter K. Rogan Lab, Western University
No classification provided (evidence only). Condition: Cervical cancer. Review status: no classification provided. Collection method: in vitro. Allele origin: not applicable. Functional consequence: retained intron. Not counted in ClinVar's aggregate classification.

Dr. Peter K. Rogan Lab, Western University
No classification provided (evidence only). Condition: Cervical cancer. Review status: no classification provided. Collection method: in vitro. Allele origin: not applicable. Functional consequence: retained intron. Not counted in ClinVar's aggregate classification.

Dr. Peter K. Rogan Lab, Western University
No classification provided (evidence only). Condition: Ovarian serous cystadenocarcinoma. Review status: no classification provided. Collection method: in vitro. Allele origin: not applicable. Functional consequence: retained intron. Not counted in ClinVar's aggregate classification.

Dr. Peter K. Rogan Lab, Western University
No classification provided (evidence only). Condition: Ovarian serous cystadenocarcinoma. Review status: no classification provided. Collection method: in vitro. Allele origin: not applicable. Functional consequence: retained intron. Not counted in ClinVar's aggregate classification.